The following is an entry in ClinVar:

NM_004924.6(ACTN4):c.55G>T (p.Gly19Cys)

Gene: ACTN4 (actinin alpha 4; plus strand). Cytogenetic location: 19q13.2.
Variant type: single nucleotide variant.
Coding change: c.55G>T on transcript NM_004924.6 (MANE Select); coding-DNA position 55, G replaced by T.
Protein change: p.Gly19Cys; replaces glycine 19 with cysteine.
Molecular consequence: missense variant.
Genome position (GRCh38, 1-based): chr19:38,647,800, G>T. VCF-style: chr19-38647800-G-T. GRCh37 (hg19) VCF-style: chr19-39138440-G-T.
Other names: c.55G>T, p.Gly19Cys (NM_001322033.2); short protein forms G19C.
Identifiers: ClinVar variation 1434698 (VCV001434698.9), dbSNP rs372129305, ClinGen allele CA9417166.

ClinVar aggregate classification (germline): Uncertain significance. Review status: criteria provided, multiple submitters, no conflicts (2 of 4 stars). 3 submissions from 3 submitters: Uncertain significance (3). Last evaluated 2024-01-22.

Conditions:
Focal segmental glomerulosclerosis 1 (FSGS1). Identifiers: Orphanet 656, MedGen C4551527, MONDO:0011303, OMIM 603278.
Focal segmental glomerulosclerosis (FSGS). Also called: Glomerulosclerosis, focal; Focal sclerosis with hyalinosis. Identifiers: MedGen C0017668, MONDO:0100313, HP:0000097. Disease mechanism: loss of function.

Allele frequency attached by ClinVar (database versions not stated): gnomAD exomes 0.00001 and 0.00006; gnomAD 0.00005 and 0.00006; TOPMed 0.00005; ESP Exome Variant Server 0.00008.
gnomAD v4.1: 86 of 1,555,410 alleles (0.0055%); highest among the groups gnomAD compares: Non-Finnish European, 0.0071%; no homozygotes.

Submissions (3):

Fulgent Genetics
Classification: Uncertain significance for Focal segmental glomerulosclerosis 1. Last evaluated: 2024-01-22. Review status: criteria provided, single submitter. Criteria: ACMG Guidelines, 2015. Collection method: clinical testing. Allele origin: germline.

Molecular Genetics, Royal Melbourne Hospital
Classification: Uncertain significance for Focal segmental glomerulosclerosis. Last evaluated: 2024-01-05. Review status: criteria provided, single submitter. Criteria: ACMG Guidelines, 2015. Collection method: clinical testing. Allele origin: germline. Inheritance: Autosomal dominant inheritance. Affected: yes.
Comment: This sequence change in ACTN4 is predicted to replace glycine with cysteine at codon 19, p.(Gly19Cys). The glycine residue is moderately conserved (100 vertebrates, Multiz Alignments), and is located in the Actin-binding domain. There is a large physicochemical difference between glycine and cysteine. The highest population minor allele frequency in the population database gnomAD v4.0 is 0.007% (82/1,152,342 alleles) in the European (non-Finnish) population. To our knowledge, this variant has not been previously reported in the relevant scientific literature and has been reported as a variant of uncertain significance in ClinVar (ID: 1434698). Computational evidence is uninformative for the missense substitution (REVEL = 0.323). Based on the classification scheme RMH Modified ACMG Guidelines v1.6.1, this variant is classified as a VARIANT OF UNCERTAIN SIGNIFICANCE. Following criteria are met: none.

Labcorp Genetics (formerly Invitae), Labcorp
Classification: Uncertain significance. Last evaluated: 2021-08-04. Review status: criteria provided, single submitter. Criteria: Invitae Variant Classification Sherloc (09022015). Collection method: clinical testing. Allele origin: germline.
Comment: In summary, the available evidence is currently insufficient to determine the role of this variant in disease. Therefore, it has been classified as a Variant of Uncertain Significance. Experimental studies and prediction algorithms are not available or were not evaluated, and the functional significance of this variant is currently unknown. This variant has not been reported in the literature in individuals with ACTN4-related conditions. The frequency data for this variant in the population databases is considered unreliable, as metrics indicate poor data quality at this position in the ExAC database. This sequence change replaces glycine with cysteine at codon 19 of the ACTN4 protein (p.Gly19Cys). The glycine residue is moderately conserved and there is a large physicochemical difference between glycine and cysteine.